The following is an entry in ClinVar:

NM_001438.4(ESRRG):c.1352dup (p.Leu451fs)

Gene: ESRRG (estrogen related receptor gamma; minus strand). Cytogenetic location: 1q41.
Variant type: Duplication.
Coding change: c.1352dup on transcript NM_001438.4 (MANE Select); coding-DNA position 1352, one base duplicated (T; older notation c.1352dupT).
Protein change: p.Leu451fs; shifts the reading frame from leucine 451.
Molecular consequence: frameshift variant.
Genome position (GRCh38, 1-based): chr1:216,506,964, A duplicated on the plus strand (T on the coding strand, the reverse complement: ESRRG is on the minus strand); the first of 7 consecutive A bases (chr1:216,506,964-216,506,970); duplicating any one gives the same sequence. VCF-style (leftmost placement, unchanged base first): chr1-216506963-C-CA. GRCh37 (hg19) VCF-style: chr1-216680305-C-CA.
Other names: c.1283dup, p.Leu428fs (NM_001134285.3, NM_001243509.2, NM_001243510.3 and 12 more transcripts); c.599dup, p.Leu200fs (NM_001243505.2); c.797dup, p.Leu266fs (NM_001243506.2); c.1166dup, p.Leu389fs (NM_001243507.2); c.1388dup, p.Leu463fs (NM_001243518.2); short protein forms L200fs, L266fs, L389fs, L428fs, L451fs, L463fs.
Identifiers: ClinVar variation 4530568 (VCV004530568.1).
Genomic context (GRCh38, chr1:216,506,963, plus strand): 5'-CAACATGAAGGATGGGAAGGCCCAGGGAGCTTTTAGTCAGACCTTGGCCTCCAACATTTC[C>CA]AAAAAAAGTTTGTGCATTGGGACTTTGCCTTCTAGTTTGATGTTGTAGAAATGCTGCACG-3'

ClinVar aggregate classification (germline): Likely pathogenic (1 of 4 stars; one submission).

Conditions:
Movement disorder. Also called: Movement disorders; Abnormality of movement. Identifiers: MedGen C0026650, MONDO:0005395, HP:0100022.

Submission:

Institute of Human Genetics, University of Leipzig Medical Center
Classification: Likely pathogenic for Movement disorder. Last evaluated: 2025-11-14. Review status: criteria provided, single submitter. Criteria: ACMG Guidelines, 2015. Collection method: clinical testing. Allele origin: de novo. Inheritance: Autosomal dominant inheritance. Affected: yes. Observed: 1 variant allele.
Comment: Criteria applied: PS3_SUP, PM1_SUP, PM2, PP2, PP3

Literature cited by the submitters: DOI 10.1016/j.ajhg.2025.10.015.